The following is an entry in ClinVar:

NM_000482.4(APOA4):c.461G>T (p.Arg154Leu)

Gene: APOA4 (apolipoprotein A4; minus strand). Cytogenetic location: 11q23.3.
Variant type: single nucleotide variant.
Coding change: c.461G>T on transcript NM_000482.4 (MANE Select); coding-DNA position 461, G replaced by T.
Protein change: p.Arg154Leu; replaces arginine 154 with leucine.
Molecular consequence: missense variant.
Genome position (GRCh38, 1-based): chr11:116,821,597, C>A on the plus strand (G>T on the coding strand, the complement: APOA4 is on the minus strand). VCF-style: chr11-116821597-C-A. GRCh37 (hg19) VCF-style: chr11-116692313-C-A.
Other names: short protein forms R154L.
Identifiers: ClinVar variation 2600018 (VCV002600018.5), dbSNP rs746344058, ClinGen allele CA6289419.

ClinVar aggregate classification (germline): Conflicting classifications of pathogenicity. Review status: criteria provided, conflicting classifications (1 of 4 stars). 2 submissions from 2 submitters: Uncertain significance (1); Likely benign (1). Last evaluated 2025-06-18.

gnomAD v4.1: 60 of 1,609,742 alleles (0.0037%); highest among the groups gnomAD compares: East Asian, 0.12%; no homozygotes.

Submissions (2):

Labcorp Genetics (formerly Invitae), Labcorp
Classification: Likely benign. Last evaluated: 2025-06-18. Review status: criteria provided, single submitter. Criteria: Invitae Variant Classification Sherloc (09022015). Collection method: clinical testing. Allele origin: germline.

Ambry Genetics
Classification: Uncertain significance. Last evaluated: 2023-07-24. Review status: criteria provided, single submitter. Criteria: Ambry Variant Classification Scheme 2023. Collection method: clinical testing. Allele origin: germline.
Comment: Does not currently meet published gene-disease clinical validity criteria Based on insufficient or conflicting evidence, the clinical significance of this alteration remains unclear.

Literature cited by the submitters: PubMed 28106320 (cited by Ambry Genetics).